The following is an entry in ClinVar:

ClinVar aggregate classification (germline): Uncertain significance (1 of 4 stars; one submission).

Submission:

Ambry Genetics
Classification: Uncertain significance. Last evaluated: 2024-05-22. Review status: criteria provided, single submitter. Criteria: Ambry Variant Classification Scheme 2023. Collection method: clinical testing. Allele origin: germline.
Comment: The p.F1368L variant (also known as c.4104T>A), located in coding exon 11 of the MLH3 gene, results from a T to A substitution at nucleotide position 4104. The phenylalanine at codon 1368 is replaced by leucine, an amino acid with highly similar properties. This amino acid position is conserved. In addition, this alteration is predicted to be deleterious by in silico analysis. Based on the available evidence, the clinical significance of this variant remains unclear.

NM_001040108.2(MLH3):c.4104T>A (p.Phe1368Leu)

Gene: MLH3 (mutL homolog 3; minus strand). Cytogenetic location: 14q24.3.
Variant type: single nucleotide variant.
Coding change: c.4104T>A on transcript NM_001040108.2 (MANE Select); coding-DNA position 4104, T replaced by A.
Protein change: p.Phe1368Leu; replaces phenylalanine 1368 with leucine.
Molecular consequence: missense variant.
Genome position (GRCh38, 1-based): chr14:75,018,967, A>T on the plus strand (T>A on the coding strand, the complement: MLH3 is on the minus strand). VCF-style: chr14-75018967-A-T. GRCh37 (hg19) VCF-style: chr14-75485670-A-T.
Other names: c.4032T>A, p.Phe1344Leu (NM_014381.3); short protein forms F1344L, F1368L.
Identifiers: ClinVar variation 3295147 (VCV003295147.1).
Genomic context (GRCh38, chr14:75,018,967, plus strand): 5'-CTGGCATGAGGACAGAGCTTCAATAAGGCGGCAACTTTCCTGTAAGCTCAGGCCATCATT[A>T]AACTTAATGGCCCCTAAATGAAAGACAGAAACAAGAAGGTTATAGTGTATATAGTGGGAA-3'
Protein context (NP_001035197.1, residues 1358-1378): ASQACHGAIK[Phe1368Leu]NDGLSLQESC